The following is an entry in ClinVar:

NM_006074.5(TRIM22):c.750+13A>G

Gene: TRIM22 (tripartite motif containing 22; plus strand). Cytogenetic location: 11p15.4.
Variant type: single nucleotide variant.
Coding change: c.750+13A>G on transcript NM_006074.5 (MANE Select); 13 bases into the intron after coding-DNA position 750, A replaced by G.
Molecular consequence: intron variant.
Genome position (GRCh38, 1-based): chr11:5,698,558, A>G. VCF-style: chr11-5698558-A-G. GRCh37 (hg19) VCF-style: chr11-5719788-A-G.
Other names: c.738+13A>G (NM_001199573.2).
Identifiers: ClinVar variation 2688343 (VCV002688343.2), dbSNP rs11038753, ClinGen allele CA5845882.

ClinVar aggregate classification (germline): Benign (1 of 4 stars; one submission).

Allele frequency attached by ClinVar (database versions not stated): 1000 Genomes Project 0.13898; 1000 Genomes Project 30x 0.14257; gnomAD exomes 0.14648; ExAC 0.15711; gnomAD 0.17851; TOPMed 0.18003; ESP Exome Variant Server 0.19107.

Submission:

Unidad de Genómica Garrahan, Hospital de Pediatría Garrahan
Classification: Benign. Last evaluated: 2024-01-24. Review status: criteria provided, single submitter. Criteria: ACMG Guidelines, 2015. Collection method: clinical testing. Allele origin: germline. Affected: no. Observed: 19 variant alleles.
Comment: This variant is classified as Benign based on local population frequency. This variant was detected in 20% of patients studied by a panel of primary immunodeficiencies. Number of patients: 19. Only high quality variants are reported.